The following is an entry in ClinVar:

ClinVar aggregate classification (germline): Uncertain significance. Review status: criteria provided, multiple submitters, no conflicts (2 of 4 stars). 2 submissions from 2 submitters: Uncertain significance (2). Last evaluated 2024-10-23.

Allele frequency attached by ClinVar (database versions not stated): TOPMed below 0.00001; gnomAD exomes 0.00001.
gnomAD v4.1: 19 of 1,542,956 alleles (0.0012%); highest among the groups gnomAD compares: Non-Finnish European, 0.0017%; no homozygotes.

Submissions (2):

Labcorp Genetics (formerly Invitae), Labcorp
Classification: Uncertain significance. Last evaluated: 2024-10-23. Review status: criteria provided, single submitter. Criteria: Invitae Variant Classification Sherloc (09022015). Collection method: clinical testing. Allele origin: germline.
Comment: This sequence change replaces serine, which is neutral and polar, with proline, which is neutral and non-polar, at codon 528 of the PLOD2 protein (p.Ser528Pro). This variant is not present in population databases (gnomAD no frequency). This variant has not been reported in the literature in individuals affected with PLOD2-related conditions. ClinVar contains an entry for this variant (Variation ID: 2419642). Invitae Evidence Modeling of protein sequence and biophysical properties (such as structural, functional, and spatial information, amino acid conservation, physicochemical variation, residue mobility, and thermodynamic stability) indicates that this missense variant is not expected to disrupt PLOD2 protein function with a negative predictive value of 80%. In summary, the available evidence is currently insufficient to determine the role of this variant in disease. Therefore, it has been classified as a Variant of Uncertain Significance.

Blueprint Genetics
Classification: Uncertain significance. Last evaluated: 2024-07-17. Review status: criteria provided, single submitter. Criteria: ACMG Guidelines, 2015. Collection method: clinical testing. Allele origin: germline.

NM_182943.3(PLOD2):c.1582T>C (p.Ser528Pro)

Gene: PLOD2 (procollagen-lysine,2-oxoglutarate 5-dioxygenase 2; minus strand). Cytogenetic location: 3q24.
Variant type: single nucleotide variant.
Coding change: c.1582T>C on transcript NM_182943.3 (MANE Select); coding-DNA position 1582, T replaced by C.
Protein change: p.Ser528Pro; replaces serine 528 with proline.
Molecular consequence: missense variant.
Genome position (GRCh38, 1-based): chr3:146,076,877, A>G on the plus strand (T>C on the coding strand, the complement: PLOD2 is on the minus strand). VCF-style: chr3-146076877-A-G. GRCh37 (hg19) VCF-style: chr3-145794664-A-G.
Other names: c.1519T>C, p.Ser507Pro (NM_000935.3); short protein forms S507P, S528P.
Identifiers: ClinVar variation 2419642 (VCV002419642.6), dbSNP rs1936362271, ClinGen allele CA354886951.